The following is an entry in ClinVar:

ClinVar aggregate classification (germline): Benign (1 of 4 stars; one submission).

Conditions:
Lynch syndrome 4 (LYNCH4). Also called: Colorectal cancer, hereditary nonpolyposis, type 4; Hereditary non-polyposis colorectal cancer, type 4. Identifiers: Orphanet 144, MedGen C1838333, MONDO:0013699, OMIM 614337. Disease mechanism: loss of function.

gnomAD v4.1: 6 of 1,495,674 alleles (0.0004%); highest among the groups gnomAD compares: East Asian, 0.0023%; 1 homozygote.

Submission:

Myriad Genetics, Inc.
Classification: Benign for Lynch syndrome 4. Last evaluated: 2025-01-28. Review status: criteria provided, single submitter. Criteria: Myriad Autosomal Dominant, Autosomal Recessive and X-Linked Classification Criteria (2023). Collection method: clinical testing. Allele origin: unknown.
Comment: This variant is considered benign. This variant is intronic and is not expected to impact mRNA splicing.

NM_000535.7(PMS2):c.804-24C>T

Gene: PMS2 (PMS1 homolog 2, mismatch repair system component; minus strand). Cytogenetic location: 7p22.1.
Variant type: single nucleotide variant.
Coding change: c.804-24C>T on transcript NM_000535.7 (MANE Select); 24 bases into the intron before coding-DNA position 804, C replaced by T.
Molecular consequence: intron variant.
Genome position (GRCh38, 1-based): chr7:5,995,657, G>A on the plus strand (C>T on the coding strand, the complement: PMS2 is on the minus strand). VCF-style: chr7-5995657-G-A. GRCh37 (hg19) VCF-style: chr7-6035288-G-A.
Other names: c.486-24C>T (NM_001322008.2, NM_001406902.1, NM_001406883.1 and 4 more transcripts); c.495-24C>T (NM_001406881.1, NM_001406879.1, NM_001322015.2 and 6 more transcripts); c.399-24C>T (NM_001406895.1, NM_001322010.2, NM_001322004.2 and 19 more transcripts); c.133-3600C>T (NM_001406911.1); c.291-24C>T (NM_001406904.1, NM_001406905.1); c.231-24C>T (NM_001322013.2, NM_001406909.1); c.-130-24C>T (NM_001322012.2, NM_001322011.2); c.468-24C>T (NM_001406885.1); and 8 more.
Identifiers: ClinVar variation 3903649 (VCV003903649.1).